The following is an entry in ClinVar:

NM_016604.4(KDM3B):c.2340G>A (p.Pro780=)

Gene: KDM3B (lysine demethylase 3B; plus strand). Cytogenetic location: 5q31.2.
Variant type: single nucleotide variant.
Coding change: c.2340G>A on transcript NM_016604.4 (MANE Select); coding-DNA position 2340, G replaced by A.
Protein change: p.Pro780=; no amino-acid change (proline 780 retained).
Molecular consequence: synonymous variant.
Genome position (GRCh38, 1-based): chr5:138,391,972, G>A. VCF-style: chr5-138391972-G-A. GRCh37 (hg19) VCF-style: chr5-137727661-G-A.
Other names: NC_000005.9:g.137727661G>A; c.2340G>A (NM_016604.3).
Identifiers: ClinVar variation 2655718 (VCV002655718.26), dbSNP rs187275789, ClinGen allele CA3429046.

ClinVar aggregate classification (germline): Benign. Review status: criteria provided, single submitter (1 of 4 stars). 2 submissions from 2 submitters: Benign (1). 1 of the submissions does not count toward it. Last evaluated 2022-05-01.

Conditions:
KDM3B-related disorder. Also called: KDM3B-related condition.

Allele frequency attached by ClinVar (database versions not stated): ESP Exome Variant Server 0.00015; 1000 Genomes Project 0.00020; gnomAD 0.00023; TOPMed 0.00026; 1000 Genomes Project 30x 0.00031; ExAC 0.00042.
gnomAD v4.1: 294 of 1,613,060 alleles (0.018%); highest among the groups gnomAD compares: East Asian, 0.067%; 2 homozygotes.

Submissions (4):

CeGaT Center for Human Genetics Tuebingen
Classification: Benign. Last evaluated: 2022-05-01. Review status: criteria provided, single submitter. Criteria: CeGaT Center For Human Genetics Tuebingen Variant Classification Criteria Version 2. Collection method: clinical testing. Allele origin: germline. Affected: yes. Observed: 1 variant allele.
Comment: KDM3B: BS1, BS2

PreventionGenetics, part of Exact Sciences
Classification: Likely benign for KDM3B-related condition. Last evaluated: 2021-12-27. Review status: no assertion criteria provided. Collection method: clinical testing. Allele origin: germline. Not counted in ClinVar's aggregate classification.
Comment: This variant is classified as likely benign based on ACMG/AMP sequence variant interpretation guidelines (Richards et al. 2015 PMID: 25741868, with internal and published modifications).

Dr. Peter K. Rogan Lab, Western University
No classification provided (evidence only). Condition: Colon adenocarcinoma. Review status: no classification provided. Collection method: in vitro. Allele origin: not applicable. Functional consequence: skipped exon. Not counted in ClinVar's aggregate classification.

Dr. Peter K. Rogan Lab, Western University
No classification provided (evidence only). Condition: Gastric cancer. Review status: no classification provided. Collection method: in vitro. Allele origin: not applicable. Functional consequence: skipped exon. Not counted in ClinVar's aggregate classification.